The following is an entry in ClinVar:

NM_005327.7(HADH):c.537A>G (p.Lys179=)

Gene: HADH (hydroxyacyl-CoA dehydrogenase; plus strand). Cytogenetic location: 4q25.
Variant type: single nucleotide variant.
Coding change: c.537A>G on transcript NM_005327.7 (MANE Select); coding-DNA position 537, A replaced by G.
Protein change: p.Lys179=; no amino-acid change (lysine 179 retained).
Molecular consequence: synonymous variant.
Genome position (GRCh38, 1-based): chr4:108,019,657, A>G. VCF-style: chr4-108019657-A-G. GRCh37 (hg19) VCF-style: chr4-108940813-A-G.
Other names: c.537A>G, p.Lys179= (NM_001184705.4); c.549A>G, p.Lys183= (NM_001331027.2).
Identifiers: ClinVar variation 3029815 (VCV003029815.2), dbSNP rs2126232144, ClinGen allele CA440568222.

ClinVar aggregate classification (germline): Likely benign (0 of 4 stars; one submission).

Conditions:
HADH-related disorder. Also called: HADH-related condition.

Submission:

PreventionGenetics, part of Exact Sciences
Classification: Likely benign for HADH-related condition. Last evaluated: 2021-06-02. Review status: no assertion criteria provided. Collection method: clinical testing. Allele origin: germline.
Comment: This variant is classified as likely benign based on ACMG/AMP sequence variant interpretation guidelines (Richards et al. 2015 PMID: 25741868, with internal and published modifications).